The following is an entry in ClinVar:

NM_001162501.2(TNRC6B):c.1860C>T (p.Asn620=)

Gene: TNRC6B (trinucleotide repeat containing adaptor 6B; plus strand). Cytogenetic location: 22q13.1.
Variant type: single nucleotide variant.
Coding change: c.1860C>T on transcript NM_001162501.2 (MANE Select); coding-DNA position 1860, C replaced by T.
Protein change: p.Asn620=; no amino-acid change (asparagine 620 retained).
Molecular consequence: synonymous variant. On other transcripts: intron variant (1).
Genome position (GRCh38, 1-based): chr22:40,266,090, C>T. VCF-style: chr22-40266090-C-T. GRCh37 (hg19) VCF-style: chr22-40662094-C-T.
Other names: c.1860C>T, p.Asn620= (NM_015088.3); c.565+3917C>T (NM_001024843.2).
Identifiers: ClinVar variation 3375251 (VCV003375251.1).
Genomic context (GRCh38, chr22:40,266,090, plus strand): 5'-TCAGGCTGTCTTGCAGACTCTTTTGAGCCGAACTGATTTGGACCCCAGGGTGCTCTCAAA[C>T]ACTGGCTGGGGCCAAACTCAAATTAAGCAGGACACAGTGTGGGACATTGAAGAGGTGCCA-3'
Protein context (NP_001155973.1, residues 610-630): RTDLDPRVLS[Asn620=]TGWGQTQIKQ

ClinVar aggregate classification (germline): Uncertain significance (1 of 4 stars; one submission).

Submission:

Women's Health and Genetics/Laboratory Corporation of America, LabCorp
Classification: Uncertain significance. Last evaluated: 2024-09-24. Review status: criteria provided, single submitter. Criteria: LabCorp Variant Classification Summary - May 2015. Collection method: clinical testing. Allele origin: germline.
Comment: Variant summary: TNRC6B c.1860C>T alters a conserved nucleotide resulting in a synonymous change (p.Asn620=). Consensus agreement among computation tools predict no significant impact on normal splicing. However, these predictions have yet to be confirmed by functional studies. The variant was absent in 248582 control chromosomes (gnomAD). The available data on variant occurrences in the general population are insufficient to allow any conclusion about variant significance. These data however do not allow clear conclusions about variant significance. To our knowledge, no experimental evidence demonstrating an impact on protein function has been reported. No submitters have cited clinical-significance assessments for this variant to ClinVar. Based on the evidence outlined above, the variant was classified as uncertain significance.